The following is an entry in ClinVar:

ClinVar aggregate classification (germline): Uncertain significance (1 of 4 stars; one submission).

Allele frequency attached by ClinVar (database versions not stated): gnomAD 0.00001; gnomAD exomes 0.00002; TOPMed 0.00002; ExAC 0.00005.
gnomAD v4.1: 36 of 1,612,336 alleles (0.0022%); highest among the groups gnomAD compares: Admixed American, 0.027%; no homozygotes.

Submission:

Labcorp Genetics (formerly Invitae), Labcorp
Classification: Uncertain significance. Last evaluated: 2022-06-28. Review status: criteria provided, single submitter. Criteria: Invitae Variant Classification Sherloc (09022015). Collection method: clinical testing. Allele origin: germline.
Comment: This sequence change replaces glutamic acid, which is acidic and polar, with lysine, which is basic and polar, at codon 25 of the SLC6A19 protein (p.Glu25Lys). This variant is present in population databases (rs770692493, gnomAD 0.04%). This variant has not been reported in the literature in individuals affected with SLC6A19-related conditions. Advanced modeling of protein sequence and biophysical properties (such as structural, functional, and spatial information, amino acid conservation, physicochemical variation, residue mobility, and thermodynamic stability) performed at Invitae indicates that this missense variant is not expected to disrupt SLC6A19 protein function. In summary, the available evidence is currently insufficient to determine the role of this variant in disease. Therefore, it has been classified as a Variant of Uncertain Significance.

NM_001003841.3(SLC6A19):c.73G>A (p.Glu25Lys)

Gene: SLC6A19 (solute carrier family 6 member 19; plus strand). Cytogenetic location: 5p15.33.
Variant type: single nucleotide variant.
Coding change: c.73G>A on transcript NM_001003841.3 (MANE Select); coding-DNA position 73, G replaced by A.
Protein change: p.Glu25Lys; replaces glutamic acid 25 with lysine.
Molecular consequence: missense variant.
Genome position (GRCh38, 1-based): chr5:1,201,723, G>A. VCF-style: chr5-1201723-G-A. GRCh37 (hg19) VCF-style: chr5-1201838-G-A.
Other names: short protein forms E25K.
Identifiers: ClinVar variation 2074363 (VCV002074363.1), dbSNP rs770692493, ClinGen allele CA3182554.